The following is an entry in ClinVar:

NM_198578.4(LRRK2):c.6498C>A (p.Ser2166Arg)

Gene: LRRK2 (leucine rich repeat kinase 2; plus strand). Cytogenetic location: 12q12.
Variant type: single nucleotide variant.
Coding change: c.6498C>A on transcript NM_198578.4 (MANE Select); coding-DNA position 6498, C replaced by A.
Protein change: p.Ser2166Arg; replaces serine 2166 with arginine.
Molecular consequence: missense variant.
Genome position (GRCh38, 1-based): chr12:40,351,655, C>A. VCF-style: chr12-40351655-C-A. GRCh37 (hg19) VCF-style: chr12-40745457-C-A.
Other names: short protein forms S2166R.
Identifiers: ClinVar variation 3703289 (VCV003703289.2).

ClinVar aggregate classification (germline): Uncertain significance (1 of 4 stars; one submission).

Conditions:
Autosomal dominant Parkinson disease 8. Also called: LRRK2-Related Parkinson Disease; Parkinson disease 8; Parkinson disease 8, susceptibility to. Identifiers: Orphanet 411602, MedGen C1846862, MONDO:0011764, OMIM 607060.

gnomAD v4.1: 3 of 1,614,154 alleles (0.00019%); highest among the groups gnomAD compares: Non-Finnish European, 0.00025%; no homozygotes.

Submission:

Labcorp Genetics (formerly Invitae), Labcorp
Classification: Uncertain significance for Autosomal dominant Parkinson disease 8. Last evaluated: 2024-09-17. Review status: criteria provided, single submitter. Criteria: Invitae Variant Classification Sherloc (09022015). Collection method: clinical testing. Allele origin: germline.
Comment: This sequence change replaces serine, which is neutral and polar, with arginine, which is basic and polar, at codon 2166 of the LRRK2 protein (p.Ser2166Arg). This variant is not present in population databases (gnomAD no frequency). This variant has not been reported in the literature in individuals affected with LRRK2-related conditions. An algorithm developed to predict the effect of missense changes on protein structure and function outputs the following: PolyPhen-2: "Benign". The arginine amino acid residue is found in multiple mammalian species, which suggests that this missense change does not adversely affect protein function. In summary, the available evidence is currently insufficient to determine the role of this variant in disease. Therefore, it has been classified as a Variant of Uncertain Significance.